The following is an entry in ClinVar:

ClinVar aggregate classification (germline): Uncertain significance (1 of 4 stars; one submission).

Conditions:
Catecholaminergic polymorphic ventricular tachycardia (CVPT). Also called: Catecholamine-induced polymorphic ventricular tachycardia. Identifiers: Orphanet 3286, MedGen C5574922, MONDO:0017990.

Allele frequency attached by ClinVar (database versions not stated): gnomAD exomes below 0.00001.

Submission:

Labcorp Genetics (formerly Invitae), Labcorp
Classification: Uncertain significance for Catecholaminergic polymorphic ventricular tachycardia. Last evaluated: 2019-10-21. Review status: criteria provided, single submitter. Criteria: Invitae Variant Classification Sherloc (09022015). Collection method: clinical testing. Allele origin: germline.
Comment: This sequence change creates a premature translational stop signal (p.Pro1583Leufs*31) in the RYR2 gene. It is expected to result in an absent or disrupted protein product. This variant is not present in population databases (ExAC no frequency). This variant has not been reported in the literature in individuals with RYR2-related conditions. The current clinical and genetic evidence is not sufficient to establish whether loss-of-function variants in RYR2 cause disease. In summary, the available evidence is currently insufficient to determine the role of this variant in disease. Therefore, it has been classified as a Variant of Uncertain Significance.

NM_001035.3(RYR2):c.4747_4748insT (p.Pro1583fs)

Gene: RYR2 (ryanodine receptor 2; plus strand). Cytogenetic location: 1q43.
Variant type: Insertion.
Coding change: c.4747_4748insT on transcript NM_001035.3 (MANE Select); coding-DNA positions 4747 to 4748, T inserted.
Protein change: p.Pro1583fs; shifts the reading frame from proline 1583.
Molecular consequence: frameshift variant.
Genome position: GRCh38 VCF-style: chr1-237610825-C-CT. GRCh37 (hg19) VCF-style: chr1-237774125-C-CT.
Other names: short protein forms P1583fs.
Identifiers: ClinVar variation 956993 (VCV000956993.2), dbSNP rs1677768338, ClinGen allele CA1139655578.
Genomic context (GRCh38, chr1:237,610,825, plus strand): 5'-GTGATGCCTCTCTCGGCGGGATTATTCAAGAGTGAGCACAAGAACCCCGTGCCGCAGTGC[C>CT]CCCCGCGCCTCCACGTGCAGTTCCTGTCACACGTCCTGTGGAGCAGAATGCCCAACCAGT-3'